The following is an entry in ClinVar:

ClinVar aggregate classification (germline): Pathogenic (1 of 4 stars; one submission).

Submission:

Labcorp Genetics (formerly Invitae), Labcorp
Classification: Pathogenic. Last evaluated: 2025-09-02. Review status: criteria provided, single submitter. Criteria: Invitae Variant Classification Sherloc (09022015). Collection method: clinical testing. Allele origin: germline.
Comment: This sequence change creates a premature translational stop signal (p.Glu595*) in the CNGB1 gene. It is expected to result in an absent or disrupted protein product. Loss-of-function variants in CNGB1 are known to be pathogenic (PMID: 15557452, 24043777). This variant is not present in population databases (gnomAD no frequency). This variant has not been reported in the literature in individuals affected with CNGB1-related conditions. For these reasons, this variant has been classified as Pathogenic.

Literature cited by the submitters: PubMed 15557452; PubMed 24043777.

NM_001297.5(CNGB1):c.1783G>T (p.Glu595Ter)

Gene: CNGB1 (cyclic nucleotide gated channel subunit beta 1; minus strand). Cytogenetic location: 16q21.
Variant type: single nucleotide variant.
Coding change: c.1783G>T on transcript NM_001297.5 (MANE Select); coding-DNA position 1783, G replaced by T.
Protein change: p.Glu595Ter; replaces glutamic acid 595 with a stop codon.
Molecular consequence: nonsense.
Genome position (GRCh38, 1-based): chr16:57,920,405, C>A on the plus strand (G>T on the coding strand, the complement: CNGB1 is on the minus strand). VCF-style: chr16-57920405-C-A. GRCh37 (hg19) VCF-style: chr16-57954309-C-A.
Other names: c.1765G>T, p.Glu589Ter (NM_001286130.2); short protein forms E589*, E595*.
Identifiers: ClinVar variation 4764983 (VCV004764983.1).